The following is an entry in ClinVar:

NM_004655.4(AXIN2):c.2114C>G (p.Ala705Gly)

Gene: AXIN2 (axin 2; minus strand). Cytogenetic location: 17q24.1.
Variant type: single nucleotide variant.
Coding change: c.2114C>G on transcript NM_004655.4 (MANE Select); coding-DNA position 2114, C replaced by G.
Protein change: p.Ala705Gly; replaces alanine 705 with glycine.
Molecular consequence: missense variant.
Genome position (GRCh38, 1-based): chr17:65,536,347, G>C on the plus strand (C>G on the coding strand, the complement: AXIN2 is on the minus strand). VCF-style: chr17-65536347-G-C. GRCh37 (hg19) VCF-style: chr17-63532465-G-C.
Other names: c.1919C>G, p.Ala640Gly (NM_001363813.1); short protein forms A640G, A705G.
Identifiers: ClinVar variation 3814754 (VCV003814754.2).

ClinVar aggregate classification (germline): Uncertain significance. Review status: criteria provided, multiple submitters, no conflicts (2 of 4 stars). 2 submissions from 2 submitters: Uncertain significance (2). Last evaluated 2025-04-30.

Conditions:
Oligodontia-cancer predisposition syndrome. Also called: TOOTH AGENESIS-COLORECTAL CANCER SYNDROME. Identifiers: Orphanet 300576, MedGen C1837750, MONDO:0012075, OMIM 608615. Disease mechanism: loss of function.
Hereditary cancer-predisposing syndrome. Also called: Hereditary neoplastic syndrome; Neoplastic Syndromes, Hereditary; Tumor predisposition; Hereditary Cancer Syndrome. Identifiers: Orphanet 140162, MedGen C0027672, MeSH D009386, MONDO:0015356.

Submissions (2):

Labcorp Genetics (formerly Invitae), Labcorp
Classification: Uncertain significance for Oligodontia-cancer predisposition syndrome. Last evaluated: 2025-04-30. Review status: criteria provided, single submitter. Criteria: Invitae Variant Classification Sherloc (09022015). Collection method: clinical testing. Allele origin: germline.
Comment: This sequence change replaces alanine, which is neutral and non-polar, with glycine, which is neutral and non-polar, at codon 705 of the AXIN2 protein (p.Ala705Gly). This variant is not present in population databases (gnomAD no frequency). This variant has not been reported in the literature in individuals affected with AXIN2-related conditions. Invitae Evidence Modeling of protein sequence and biophysical properties (such as structural, functional, and spatial information, amino acid conservation, physicochemical variation, residue mobility, and thermodynamic stability) indicates that this missense variant is not expected to disrupt AXIN2 protein function with a negative predictive value of 80%. Algorithms developed to predict the effect of sequence changes on RNA splicing suggest that this variant may create or strengthen a splice site. In summary, the available evidence is currently insufficient to determine the role of this variant in disease. Therefore, it has been classified as a Variant of Uncertain Significance.

Ambry Genetics
Classification: Uncertain significance for Hereditary cancer-predisposing syndrome. Last evaluated: 2025-03-14. Review status: criteria provided, single submitter. Criteria: Ambry Variant Classification Scheme 2023. Collection method: clinical testing. Allele origin: germline.
Comment: The p.A705G variant (also known as c.2114C>G), located in coding exon 7 of the AXIN2 gene, results from a C to G substitution at nucleotide position 2114. The alanine at codon 705 is replaced by glycine, an amino acid with similar properties. This amino acid position is not well conserved in available vertebrate species. In addition, this alteration is predicted to be tolerated by in silico analysis. Based on the available evidence, the clinical significance of this variant remains unclear.